The following is an entry in ClinVar:

ClinVar aggregate classification (germline): Conflicting classifications of pathogenicity. Review status: criteria provided, conflicting classifications (1 of 4 stars). 4 submissions from 1 submitter: Uncertain significance (2); Benign (2). Last evaluated 2018-01-13.

Conditions:
Progressive external ophthalmoplegia with mitochondrial DNA deletions, autosomal dominant 3. Also called: PROGRESSIVE EXTERNAL OPHTHALMOPLEGIA, AUTOSOMAL DOMINANT 3. Identifiers: MedGen C1836439, MONDO:0012241, OMIM 609286.
Autosomal recessive cerebellar ataxia. Also called: Spinocerebellar ataxia, autosomal recessive; Spinocerebellar Ataxia, Recessive. Identifiers: Orphanet 1172, MedGen C5575375, MONDO:0015244.
Infantile onset spinocerebellar ataxia (MTDPS7). Also called: OHAHA SYNDROME; SPINOCEREBELLAR ATAXIA, INFANTILE, WITH SENSORY NEUROPATHY; Mitochondrial DNA depletion syndrome 7 (hepatocerebral type); OPHTHALMOPLEGIA, HYPOTONIA, ATAXIA, HYPOACUSIS, AND ATHETOSIS. Identifiers: Orphanet 1186, MedGen C1849096, MONDO:0010060, OMIM 271245.
Sensory ataxic neuropathy, dysarthria, and ophthalmoparesis (SANDO). Also called: SENSORY ATAXIC NEUROPATHY WITH MITOCHONDRIAL DNA DELETIONS, AUTOSOMAL RECESSIVE; Ataxia Neuropathy Spectrum (ANS); Sensory ataxic neuropathy-dysarthria-ophthalmoparesis syndrome; Epilepsy, progressive myoclonic, type 5. Identifiers: Orphanet 70595, MedGen C1843851, MONDO:0011835, OMIM 607459.

Allele frequency attached by ClinVar (database versions not stated): gnomAD exomes 0.00011; gnomAD 0.00013; TOPMed 0.00020; 1000 Genomes Project 30x 0.00031; 1000 Genomes Project 0.00040.
gnomAD v4.1: 76 of 613,756 alleles (0.012%); highest among the groups gnomAD compares: Middle Eastern, 0.087%; no homozygotes.

Submissions (4):

Illumina Laboratory Services, Illumina
Classification: Benign for Progressive external ophthalmoplegia with mitochondrial DNA deletions, autosomal dominant 3. Last evaluated: 2018-01-13. Review status: criteria provided, single submitter. Criteria: ICSL Variant Classification Criteria 13 December 2019. Collection method: clinical testing. Allele origin: germline.
Comment: This variant was observed in the ICSL laboratory as part of a predisposition screen in an ostensibly healthy population. It had not been previously curated by ICSL or reported in the Human Gene Mutation Database (HGMD: prior to June 1st, 2018), and was therefore a candidate for classification through an automated scoring system. Utilizing variant allele frequency, disease prevalence and penetrance estimates, and inheritance mode, an automated score was calculated to assess if this variant is too frequent to cause the disease. Based on the score and internal cut-off values, a variant classified as benign is not then subjected to further curation. The score for this variant resulted in a classification of benign for this disease.

Illumina Laboratory Services, Illumina
Classification: Uncertain significance for Infantile onset spinocerebellar ataxia. Last evaluated: 2018-01-13. Review status: criteria provided, single submitter. Criteria: ICSL Variant Classification Criteria 13 December 2019. Collection method: clinical testing. Allele origin: germline.

Illumina Laboratory Services, Illumina
Classification: Uncertain significance for Autosomal recessive cerebellar ataxia. Last evaluated: 2018-01-13. Review status: criteria provided, single submitter. Criteria: ICSL Variant Classification Criteria 13 December 2019. Collection method: clinical testing. Allele origin: germline.

Illumina Laboratory Services, Illumina
Classification: Benign for Sensory ataxic neuropathy-dysarthria-ophthalmoparesis syndrome. Last evaluated: 2018-01-13. Review status: criteria provided, single submitter. Criteria: ICSL Variant Classification Criteria 13 December 2019. Collection method: clinical testing. Allele origin: germline.
Comment: the same text as in the submission from Illumina Laboratory Services, Illumina above.

NM_021830.5(TWNK):c.-290G>C

Gene: TWNK (twinkle mtDNA helicase; plus strand). Cytogenetic location: 10q24.31.
Variant type: single nucleotide variant.
Coding change: c.-290G>C on transcript NM_021830.5 (MANE Select); 290 bases upstream of the start codon, G replaced by C.
Molecular consequence: 5 prime UTR variant. On other transcripts: non-coding transcript variant (4), intron variant (3).
Genome position (GRCh38, 1-based): chr10:100,987,921, G>C. VCF-style: chr10-100987921-G-C. GRCh37 (hg19) VCF-style: chr10-102747678-G-C.
Other names: c.-290G>C (NM_001163812.2); c.-120+308G>C (NM_001163814.2, NM_001163813.2); c.-58+308G>C (NM_001368275.1).
Identifiers: ClinVar variation 298491 (VCV000298491.5), dbSNP rs62626270, ClinGen allele CA10630756.